The following continues an entry in ClinVar:

NM_000432.4(MYL2):c.141C>A (p.Asn47Lys)

Gene: MYL2. ClinVar aggregate classification (germline): Conflicting classifications of pathogenicity. Uncertain significance (15); Likely benign (3).

Submissions 10 to 16 of 20:

ARUP Laboratories, Molecular Genetics and Genomics, ARUP Laboratories
Classification: Uncertain significance. Last evaluated: 2022-03-24. Review status: criteria provided, single submitter. Criteria: ARUP Molecular Germline Variant Investigation Process 2021. Collection method: clinical testing. Allele origin: germline.
Comment: The MYL2 c.141C>A; p.Asn47Lys variant (rs199474808; ClinVar Variation ID: 31766) has been observed in at least two probands with hypertrophic cardiomyopathy; however, both we shown to harbor additional clinically suspicious variants in other genes associated with HCM (Andersen 2001, Hougs 2005, Berge 2014). In vitro functional studies of the MYL2 p.Asn47Lys variant suggest it may impact MYL2 function; however, the exact in vivo consequences remain unclear at this time (Szczesna-Cordary 2004, Greenberg 2009, Greenberg 2010). Furthermore, this variant has been observed in many ostensibly healthy human populations (Amendola 2015, Andreasen 2013, Whiffin 2017), and is found in the non-Finnish European population with an allele frequency of 0.036% (46/129146 alleles) in the Genome Aggregation Database. The asparagine at codon 47 is moderately conserved, and computational analyses are uncertain whether this variant is neutral or deleterious (REVEL: 0.158). Due to conflicting information, the clinical significance of the p.Asn47Lys variant is uncertain at this time. References: Andreasen C et al. New population-based exome data are questioning the pathogenicity of previously cardiomyopathy-associated genetic variants. Eur J Hum Genet. 2013 Sep;21(9):918-28. PMID: 23299917 Andersen PS et al. Myosin light chain mutations in familial hypertrophic cardiomyopathy: phenotypic presentation and frequency in Danish and South African populations. J Med Genet. 2001 Dec;38(12):E43. PMID: 11748309 Amendola LM et al. Actionable exomic incidental findings in 6503 participants: challenges of variant classification. Genome Res. 2015 Mar;25(3):305-15. PMID: 25637381 Berge KE and Leren TP. Genetics of hypertrophic cardiomyopathy in Norway. Clin Genet. 2014 Oct;86(4):355-60. PMID: 24111713. Greenberg MJ et al. Regulatory light chain mutations associated with cardiomyopathy affect myosin mechanics and kinetics. J Mol Cell Cardiol. 2009 Jan;46(1):108-15. PMID: 18929571 Greenberg MJ et al. Cardiomyopathy-linked myosin regulatory light chain mutations disrupt myosin strain-dependent biochemistry. Proc Natl Acad Sci U S A. 2010 Oct 5;107(40):17403-8. PMID: 20855589 Hougs L et al. One third of Danish hypertrophic cardiomyopathy patients with MYH7 mutations have mutations (corrected) in MYH7 rod region. Eur J Hum Genet. 2005 Feb;13(2):161-5 PMID: 15483641. Methner DN et al. Postmortem genetic screening for the identification, verification, and reporting of genetic variants contributing to the sudden death of the young. Genome Res. 2016 Sep;26(9):1170-7. PMID: 27435932 Szczesna-Cordary D et al. Familial hypertrophic cardiomyopathy-linked alterations in Ca2+ binding of human cardiac myosin regulatory light chain affect cardiac muscle contraction. J Biol Chem. 2004 Jan 30;279(5):3535-42. PMID: 14594949. Whiffin N et al. Using high-resolution variant frequencies to empower clinical genome interpretation. Genet Med. 2017 Oct;19(10):1151-1158. PMID: 28518168

Fulgent Genetics
Classification: Uncertain significance for Hypertrophic cardiomyopathy 10; Myopathy, myofibrillar, 12, infantile-onset, with cardiomyopathy. Last evaluated: 2022-02-01. Review status: criteria provided, single submitter. Criteria: ACMG Guidelines, 2015. Collection method: clinical testing. Allele origin: unknown.

Victorian Clinical Genetics Services, Murdoch Childrens Research Institute
Classification: Uncertain significance for Hypertrophic cardiomyopathy 10. Last evaluated: 2021-05-06. Review status: criteria provided, single submitter. Criteria: ACMG Guidelines, 2015. Collection method: clinical testing. Allele origin: germline. Inheritance: Autosomal dominant inheritance. Affected: yes.
Comment: Based on the classification scheme VCGS_Germline_v1.3.3, this variant is classified as VUS-3C. Following criteria are met: 0105 - The mechanism of disease for this gene is not clearly established. (I) 0107 - This gene is associated with autosomal dominant disease. (I) 0112 - The condition associated with this gene has incomplete penetrance (GeneReviews). (I) 0200 - Variant is predicted to result in a missense amino acid change from asparagine to lysine (I) 0251 - This variant is heterozygous. (I) 0302 - Variant is present in gnomAD <0.001 for a dominant condition (v2: 55 heterozygotes, 0 homozygotes). (SP) 0308 - Population frequency for this variant is out of keeping with known incidence of hypertrophic cardiomyopathy. (SB) 0503 - Missense variant consistently predicted to be tolerated by multiple in silico tools or not conserved in placental mammals with a minor amino acid change. (SB) 0600 - Variant is located in the annotated calcium-binding site (PDB; PMID: 14594949). (I) 0705 - No comparable missense variants have previous evidence for pathogenicity. (I) 0809 - Previous evidence of pathogenicity for this variant is inconclusive. This variant has been identified in HCM patients, both of whom also harboured another variant in a different gene. It was also reported in a case of sudden infant death syndrome and three offspring from the Framingham Heart Study, although their clinical status was not indicated. Within the VCGS cohort, it was reported in three HCM patients, one of whom had another VUS in DSP and the other two harbouring pathogenic variants in MYBPC3. Finally, this variant has been classified as a VUS by diagnostic laboratories in ClinVar (VCSG; ClinVar; PMID: 24111713, 11748309, 15483641, 27435932, 22958901). (I) 0905 - No published segregation evidence has been identified for this variant. (I) 1002 - This variant has moderate functional evidence supporting abnormal protein function. In vitro studies demonstrated impaired myosin kinetics and animal models recapitulated HCM phenotype (PMID: 28467684, 18929571, 20855589, 26116789). (SP) 1208 - Inheritance information for this variant is not currently available in this individual. (I) Legend: (SP) - Supporting pathogenic, (I) - Information, (SB) - Supporting benign

Laboratory for Molecular Medicine, Mass General Brigham Personalized Medicine
Classification: Uncertain significance. Last evaluated: 2019-04-05. Review status: criteria provided, single submitter. Criteria: ACMG Guidelines, 2015. Collection method: clinical testing. Allele origin: germline.
Comment: The p.Asn47Lys variant in MYL2 has been reported in 3 individuals with HCM (Andersen 2001, Hougs 2005, Alvarez-Acosta 2014) and has also been reported in ClinVar (Variation ID 31766). Clinvar: VUS (CSER, GeneDx, Invitae, Agnes Ginges, Blueprint), Path (HCIFS-Postmortem genetic screening project). In addition, the p.Asn47Lys variant has been identified in 48/126660 European chromosomes by the Genome Aggregation Database (gnomAD; dbSNP rs199474808). Studies suggest that this variant may alter contraction function of cardiac cells (Szczesna-Cordary 2004, Abraham 2009, Greenberg 2009, Greenberg 2010). However, these in vitro assays may not accurately represent biological function. This variant was predicted to be pathogenic using a computational tool clinically validated by our laboratory. This tool's pathogenic prediction is estimated to be correct 94% of the time (Jordan 2011). However, asparagine (Asn) at position 47 is not conserved in mammals and additional computational prediction tools suggest that the p.Asn47Lys variant may not impact the protein, though this information is not predictive enough to rule out pathogenicity. In summary, due to the conflicting information currently available, additional data is needed to fully assess the clinical significance of the p.Asn47Lys variant.

Illumina Laboratory Services, Illumina
Classification: Uncertain significance for Hypertrophic cardiomyopathy 10. Last evaluated: 2017-04-27. Review status: criteria provided, single submitter. Criteria: ICSL Variant Classification Criteria 13 December 2019. Collection method: clinical testing. Allele origin: germline.
Comment: This variant was observed as part of a predisposition screen in an ostensibly healthy population. A literature search was performed for the gene, cDNA change, and amino acid change (where applicable). Publications were found based on this search. However, the evidence from the literature, in combination with allele frequency data from public databases where available, was not sufficient to rule this variant in or out of causing disease. Therefore, this variant is classified as a variant of unknown significance.

Agnes Ginges Centre for Molecular Cardiology, Centenary Institute
Classification: Uncertain significance for Hypertrophic cardiomyopathy 1. Last evaluated: 2017-03-03. Review status: criteria provided, single submitter. Criteria: Agnes Ginges Centre for Molecular Cardiology criteria (2015). Collection method: research. Allele origin: germline. Inheritance: Autosomal dominant inheritance. Affected: yes.
Comment: This MYL2 Asn47Lys variant has been identified in one published HCM proband with marked progression of hypertrophy over two years, and was absent from 150 controls (Anderson PS, et al., 2001). The proband was later found to be a carrier of second variant; MYH7 Arg1712Trp (Hougs L, et al., 2005). This variant has an allele frequency of 0.01% (22 alleles) in the Exome Aggregation Consortium population dataset which is more frequent than we would expect for an HCM causative variant. Computational tools SIFT and PolyPhen-2 predict the variant to be "tolerated" and "benign" respectively, however MutationTaster and PolyPhen-HCM predict this variant to be "disease-causing" and "pathogenic". Functional studies suggest this variant may impact contraction (Szczesna-Cordary D, et al., 2004)and force, particularly under loaded conditions (Abraham TP, et al., 2009; Greenberg MJ, et al., 2009; Greenberg MJ, et al., 2010). The variant was discussed at our multidisciplinary pathogenicity meeting and it was agreed based on current literature, and the greater than expected frequency in the ExAC dataset, that it should be considered a variant of "uncertain significance", though noted this may be downgraded in future.

Stanford Center for Inherited Cardiovascular Disease, Stanford University
Classification: Uncertain significance. Last evaluated: 2015-12-07. Review status: criteria provided, single submitter. Criteria: ACMG Guidelines, 2015. Collection method: provider interpretation. Allele origin: germline.